The following continues an entry in ClinVar:

NM_001061.7(TBXAS1):c.1235G>A (p.Arg412Gln)

Gene: TBXAS1. ClinVar aggregate classification (germline): Conflicting classifications of pathogenicity. Pathogenic (3); Likely pathogenic (10); Uncertain significance (5).

Submissions 13 to 22 of 22:

Mendelics
Classification: Pathogenic for Ghosal hematodiaphyseal dysplasia. Last evaluated: 2022-05-04. Review status: criteria provided, single submitter. Criteria: Mendelics Assertion Criteria 2019. Collection method: clinical testing. Allele origin: germline.

GeneDx
Classification: Uncertain significance. Last evaluated: 2019-10-22. Review status: criteria provided, single submitter. Criteria: GeneDx Variant Classification Process June 2021. Collection method: clinical testing. Allele origin: germline. Affected: yes.
Comment: In silico analysis, which includes protein predictors and evolutionary conservation, supports a deleterious effect; This variant is associated with the following publications: (PMID: 33185009, 27156553, 18264100)

Juno Genomics, Hangzhou Juno Genomics, Inc
Classification: Likely pathogenic for Ghosal hematodiaphyseal dysplasia. Review status: criteria provided, single submitter. Criteria: ACMG Guidelines, 2015. Collection method: clinical testing. Allele origin: germline.
Comment: Absent from controls (or at extremely low frequency if recessive) in Genome Aggregation Database.;Multiple lines of computational evidence support a deleterious effect on the gene or gene product.;For recessive disorders, detected in trans with a pathogenic variant.;Patient's phenotype or family history is highly specific for a disease with a single genetic etiology.

Kasturba Medical College, Manipal, Kasturba Medical College, Manipal, Manipal Academy of Higher Education, Manipal, India
Classification: Likely pathogenic for Ghosal hematodiaphyseal dysplasia. Review status: criteria provided, single submitter. Criteria: ACMG Guidelines, 2015. Collection method: clinical testing. Allele origin: germline. Affected: yes.

Neuberg Centre For Genomic Medicine, NCGM
Classification: Pathogenic for Ghosal hematodiaphyseal dysplasia. Review status: criteria provided, single submitter. Criteria: ACMG Guidelines, 2015. Collection method: clinical testing. Allele origin: germline. Inheritance: Autosomal recessive inheritance. Affected: yes.
Comment: The missense c.1235G>A (p.Arg412Gln) variant in TBXAS1 gene has been observed in homozygous state in multiple individual(s) with Ghosal hematodiaphyseal dysplasia (Joy et. al., 2021; Jeevan et. al., 2016; Geneviève et. al., 2008). It has also been observed to segregate with disease in related individuals. Experimental studies have shown that this missense change affects TBXAS1 function (Wang et. al., 1996). The p.Arg412Gln variant is present with allele frequency of 0.08% in gnomAD exomes database. This variant has been submitted to the ClinVar database as Uncertain Significance / Likely Pathogenic / Pathogenic (multiple submissions). The reference amino acid at this position on TBXAS1 gene is predicted as conserved by GERP++ and PhyloP across 100 vertebrates. The amino acid Arg at position 412 is changed to a Gln changing protein sequence and it might alter its composition and physico-chemical properties. For these reasons, this variant has been classified as Pathogenic. In the absence of another reportable variant in TBXAS1 gene, the molecular diagnosis is not confirmed.

Suma Genomics
Classification: Uncertain significance for Ghosal hematodiaphyseal dysplasia. Review status: criteria provided, single submitter. Criteria: ACMG Guidelines, 2015. Collection method: clinical testing. Allele origin: germline. Inheritance: Autosomal recessive inheritance. Affected: yes. Observed: 1 homozygote.

Allergy Immunology Laboratory, Postgraduate Institute of Medical Education and Research, Chandigarh
Classification: Likely pathogenic for Ghosal hematodiaphyseal dysplasia. Last evaluated: 2020-12-21. Review status: no assertion criteria provided. Collection method: clinical testing. Allele origin: germline. Inheritance: Autosomal recessive inheritance. Affected: yes. Observed: 1 compound heterozygote. Not counted in ClinVar's aggregate classification.
Comment: c.1376G>A: In-silico predictions for this variant are damaging and probably damaging. Two other missense variants affecting the same codon have been previously reported with Ghosal hematodiaphyseal syndrome. The variant was present in a heterozygous state with another variant on the other allele c.125_138del; p.Lys42ThrfsTer47.

Biochemical Molecular Genetic Laboratory, King Abdulaziz Medical City
Classification: Pathogenic for Ghosal hematodiaphyseal dysplasia. Last evaluated: 2020-08-07. Review status: no assertion criteria provided. Collection method: clinical testing. Allele origin: germline. Affected: yes. Not counted in ClinVar's aggregate classification.

Reproductive Health Research and Development, BGI Genomics
Classification: Uncertain significance for Ghosal hematodiaphyseal syndrome. Last evaluated: 2020-01-06. Review status: no assertion criteria provided. Collection method: curation. Allele origin: germline. Not counted in ClinVar's aggregate classification.
Comment: NM_001061.4:c.1238G>A in the TBXAS1 gene has an allele frequency of 0.007 in South Asian subpopulation in the gnomAD database. It has been detected in homozygous state in one consanguineous family with Ghosal hematodiaphyseal dysplasia syndrome (PMID: 18264100). We interpret it as variant of uncertain significance (VUS). ACMG/AMP criteria applied: PP4.

OMIM
Classification: Pathogenic for GHOSAL HEMATODIAPHYSEAL DYSPLASIA. Last evaluated: 2008-03-01. Review status: no assertion criteria provided. Collection method: literature only. Allele origin: germline. Not counted in ClinVar's aggregate classification.

Literature cited by the submitters: PubMed 18264100 (cited by 5 submitters); PubMed 27156553 (cited by 4 submitters); PubMed 33244729 (cited by 3 submitters); PubMed 8702713 (cited by Women's Health and Genetics/Laboratory Corporation of America, LabCorp and Labcorp Genetics (formerly Invitae), Labcorp); PubMed 33185009 (cited by 3 submitters); PubMed 35395429 (cited by Labcorp Genetics (formerly Invitae), Labcorp and Mayo Clinic Laboratories, Mayo Clinic); PubMed 36574346 (cited by Labcorp Genetics (formerly Invitae), Labcorp and Mayo Clinic Laboratories, Mayo Clinic); PubMed 39220787 (cited by Victorian Clinical Genetics Services, Murdoch Childrens Research Institute and Mayo Clinic Laboratories, Mayo Clinic); PubMed 32906206 (cited by Mayo Clinic Laboratories, Mayo Clinic); PubMed 37647632 (cited by Mayo Clinic Laboratories, Mayo Clinic); PubMed 38873830 (cited by Mayo Clinic Laboratories, Mayo Clinic); PubMed 39277773 (cited by Mayo Clinic Laboratories, Mayo Clinic); PubMed 40198394 (cited by Mayo Clinic Laboratories, Mayo Clinic); PubMed 29068549 (cited by Suma Genomics).